The following is an entry in ClinVar:

ClinVar aggregate classification (germline): Likely pathogenic (1 of 4 stars; one submission).

Conditions:
Anemia, nonspherocytic hemolytic, due to G6PD deficiency (CNSHA1). Also called: Hemolytic anemia due to G6PD deficiency; Class I glucose-6-phosphate dehydrogenase deficiency; Favism, susceptibility to; ANEMIA, CONGENITAL, NONSPHEROCYTIC HEMOLYTIC, 1. Identifiers: Orphanet 466026, MedGen C2720289, MONDO:0010480, OMIM 300908.

Submission:

Dunham Lab, University of Washington
Classification: Likely pathogenic for Anemia, nonspherocytic hemolytic, due to G6PD deficiency. Last evaluated: 2022-08-12. Review status: criteria provided, single submitter. Criteria: Bayesian ACMG Guidelines, 2018. Collection method: curation. Allele origin: unknown. Affected: yes.
Comment: Leads to deletion of two amino acids (PM4) and decreased activity in red blood cells (6%) (PS3). Not found in gnomAD (PM2). Post_P 0.988 (odds of pathogenicity 729.3, Prior_P 0.1).

Literature cited by the submitters: PubMed 7803800.

NM_001360016.2(G6PD):c.725_730del (p.Gly242_Thr243del)

Gene: G6PD (glucose-6-phosphate dehydrogenase; minus strand). Cytogenetic location: Xq28.
Variant type: Deletion.
Coding change: c.725_730del on transcript NM_001360016.2 (MANE Select); coding-DNA positions 725 to 730, 6 bases deleted (GCACTG; older notation c.725_730delGCACTG).
Protein change: p.Gly242_Thr243del.
Molecular consequence: inframe deletion.
Genome position (GRCh38, 1-based): chrX:154,534,075-154,534,080, CAGTGC deleted on the plus strand (GCACTG on the coding strand, the reverse complement: G6PD is on the minus strand); deleting any 6 consecutive bases within chrX:154,534,075-154,534,082 gives the same sequence; the c. name uses the placement nearest the transcript's 3' end. VCF-style (leftmost placement, unchanged base first): chrX-154534074-TCAGTGC-T. GRCh37 (hg19) VCF-style: chrX-153762289-TCAGTGC-T.
Other names: G6PD Stonybrook; c.815_820del, p.Gly272_Thr273del (NM_000402.4); c.725_730del, p.Gly242_Thr243del (NM_001042351.3).
Identifiers: ClinVar variation 1722752 (VCV001722752.2), dbSNP rs2523266717, ClinGen allele CA2580101931.